The following is an entry in ClinVar:

ClinVar aggregate classification (germline): Likely benign (0 of 4 stars; one submission).

Conditions:
CD4-related disorder. Also called: CD4-related condition.

Allele frequency attached by ClinVar (database versions not stated): gnomAD exomes 0.00001; gnomAD 0.00003; TOPMed 0.00003; ExAC 0.00006; 1000 Genomes Project 30x 0.00031; 1000 Genomes Project 0.00040.

Submission:

PreventionGenetics, part of Exact Sciences
Classification: Likely benign for CD4-related condition. Last evaluated: 2019-02-22. Review status: no assertion criteria provided. Collection method: clinical testing. Allele origin: germline.
Comment: This variant is classified as likely benign based on ACMG/AMP sequence variant interpretation guidelines (Richards et al. 2015 PMID: 25741868, with internal and published modifications).

NM_000616.5(CD4):c.1030C>T (p.Leu344=)

Gene: CD4 (CD4 molecule; plus strand). Cytogenetic location: 12p13.31.
Variant type: single nucleotide variant.
Coding change: c.1030C>T on transcript NM_000616.5 (MANE Select); coding-DNA position 1030, C replaced by T.
Protein change: p.Leu344=; no amino-acid change (leucine 344 retained).
Molecular consequence: synonymous variant.
Genome position (GRCh38, 1-based): chr12:6,817,204, C>T. VCF-style: chr12-6817204-C-T. GRCh37 (hg19) VCF-style: chr12-6926370-C-T.
Other names: c.493C>T, p.Leu165= (NM_001195014.3); c.211C>T, p.Leu71= (NM_001195015.3, NM_001195016.3, NM_001195017.3 and 2 more transcripts); c.1030C>T, p.Leu344= (NM_001382707.1); c.865C>T, p.Leu289= (NM_001382714.1).
Identifiers: ClinVar variation 3046774 (VCV003046774.2), dbSNP rs201962054, ClinGen allele CA6415952.